The following is an entry in ClinVar:

ClinVar aggregate classification (germline): Uncertain significance (1 of 4 stars; one submission).

gnomAD v4.1: 1 of 1,596,492 alleles (0.000063%); highest among the groups gnomAD compares: Non-Finnish European, 0.000085%; no homozygotes.

Submission:

Dasa
Classification: Uncertain significance. Last evaluated: 2025-05-20. Review status: criteria provided, single submitter. Criteria: DASA Assertion Criteria. Collection method: clinical testing. Allele origin: germline.
Comment: NM_017617.5(NOTCH1):c.2180A>C (p.His727Pro) is a missense variant that results in the substitution of histidine with proline. This variant is rare in population databases. Computational prediction algorithms are consistent with a deleterious effect. The currently available literature and clinical evidence are not sufficient to establish a definitive association between this variant and the reported condition. Therefore, this variant is classified as a variant of uncertain significance.

NM_017617.5(NOTCH1):c.2180A>C (p.His727Pro)

Gene: NOTCH1 (notch receptor 1; minus strand). Cytogenetic location: 9q34.3.
Variant type: single nucleotide variant.
Coding change: c.2180A>C on transcript NM_017617.5 (MANE Select); coding-DNA position 2180, A replaced by C.
Protein change: p.His727Pro; replaces histidine 727 with proline.
Molecular consequence: missense variant.
Genome position (GRCh38, 1-based): chr9:136,514,537, T>G on the plus strand (A>C on the coding strand, the complement: NOTCH1 is on the minus strand). VCF-style: chr9-136514537-T-G. GRCh37 (hg19) VCF-style: chr9-139408989-T-G.
Other names: short protein forms H727P.
Identifiers: ClinVar variation 4885130 (VCV004885130.2).